The following is an entry in ClinVar:

NM_198904.4(GABRG2):c.*1497C>T

Gene: GABRG2 (gamma-aminobutyric acid type A receptor subunit gamma2; plus strand). Cytogenetic location: 5q34.
Variant type: single nucleotide variant.
Coding change: c.*1497C>T on transcript NM_198904.4 (MANE Select); 1497 bases downstream of the stop codon, C replaced by T.
Molecular consequence: 3 prime UTR variant.
Genome position (GRCh38, 1-based): chr5:162,154,865, C>T. VCF-style: chr5-162154865-C-T. GRCh37 (hg19) VCF-style: chr5-161581871-C-T.
Other names: c.*1497C>T (NM_000816.3, NM_001375339.1, NM_001375341.1 and 10 more transcripts); c.*1759C>T (NM_001375340.1).
Identifiers: ClinVar variation 352663 (VCV000352663.5), dbSNP rs11956247, ClinGen allele CA10624069.

ClinVar aggregate classification (germline): Benign (1 of 4 stars; one submission).

Conditions:
EPILEPSY, CHILDHOOD ABSENCE, SUSCEPTIBILITY TO, 2 (ECA2). Identifiers: Orphanet 64280, MedGen C1843244, OMIM 607681.

Allele frequency attached by ClinVar (database versions not stated): gnomAD 0.01657 and 0.01779; 1000 Genomes Project 0.01937; TOPMed 0.01937; 1000 Genomes Project 30x 0.02077.

Submission:

Illumina Laboratory Services, Illumina
Classification: Benign for Febrile seizures, familial, 8. Last evaluated: 2018-01-13. Review status: criteria provided, single submitter. Criteria: ICSL Variant Classification Criteria 13 December 2019. Collection method: clinical testing. Allele origin: germline.
Comment: This variant was observed in the ICSL laboratory as part of a predisposition screen in an ostensibly healthy population. It had not been previously curated by ICSL or reported in the Human Gene Mutation Database (HGMD: prior to June 1st, 2018), and was therefore a candidate for classification through an automated scoring system. Utilizing variant allele frequency, disease prevalence and penetrance estimates, and inheritance mode, an automated score was calculated to assess if this variant is too frequent to cause the disease. Based on the score and internal cut-off values, a variant classified as benign is not then subjected to further curation. The score for this variant resulted in a classification of benign for this disease.